The following is an entry in ClinVar:

NM_000489.6(ATRX):c.4460A>G (p.Asp1487Gly)

Gene: ATRX (ATRX chromatin remodeler; minus strand). Cytogenetic location: Xq21.1.
Variant type: single nucleotide variant.
Coding change: c.4460A>G on transcript NM_000489.6 (MANE Select); coding-DNA position 4460, A replaced by G.
Protein change: p.Asp1487Gly; replaces aspartic acid 1487 with glycine.
Molecular consequence: missense variant.
Genome position (GRCh38, 1-based): chrX:77,652,211, T>C on the plus strand (A>G on the coding strand, the complement: ATRX is on the minus strand). VCF-style: chrX-77652211-T-C. GRCh37 (hg19) VCF-style: chrX-76907701-T-C.
Other names: c.4346A>G, p.Asp1449Gly (NM_138270.5); short protein forms D1449G, D1487G.
Identifiers: ClinVar variation 3634985 (VCV003634985.2).

ClinVar aggregate classification (germline): Uncertain significance (1 of 4 stars; one submission).

Conditions:
Alpha thalassemia-X-linked intellectual disability syndrome (ATRX). Also called: ALPHA-THALASSEMIA/MENTAL RETARDATION SYNDROME, X-LINKED; ATR, NONDELETION TYPE; ATR-X syndrome; Alpha thalassemia mental retardation syndrome, nondeletion type, X-linked; XLMR hypotonic face syndrome; X-linked alpha-thalassemia-mental retardation syndrome. Identifiers: Orphanet 847, MedGen C1845055, MONDO:0010519, OMIM 301040.

Submission:

Labcorp Genetics (formerly Invitae), Labcorp
Classification: Uncertain significance for Alpha thalassemia-X-linked intellectual disability syndrome. Last evaluated: 2024-04-05. Review status: criteria provided, single submitter. Criteria: Invitae Variant Classification Sherloc (09022015). Collection method: clinical testing. Allele origin: germline.
Comment: This sequence change replaces aspartic acid, which is acidic and polar, with glycine, which is neutral and non-polar, at codon 1487 of the ATRX protein (p.Asp1487Gly). This variant is not present in population databases (gnomAD no frequency). This variant has not been reported in the literature in individuals affected with ATRX-related conditions. Advanced modeling of protein sequence and biophysical properties (such as structural, functional, and spatial information, amino acid conservation, physicochemical variation, residue mobility, and thermodynamic stability) has been performed at Invitae for this missense variant, however the output from this modeling did not meet the statistical confidence thresholds required to predict the impact of this variant on ATRX protein function. In summary, the available evidence is currently insufficient to determine the role of this variant in disease. Therefore, it has been classified as a Variant of Uncertain Significance.